The following is an entry in ClinVar:

NM_001353345.2(SETD1B):c.23A>C (p.His8Pro)

Gene: SETD1B (SET domain containing 1B, histone lysine methyltransferase; plus strand). Cytogenetic location: 12q24.31.
Variant type: single nucleotide variant.
Coding change: c.23A>C on transcript NM_001353345.2 (MANE Select); coding-DNA position 23, A replaced by C.
Protein change: p.His8Pro; replaces histidine 8 with proline.
Molecular consequence: missense variant.
Genome position (GRCh38, 1-based): chr12:121,804,760, A>C. VCF-style: chr12-121804760-A-C. GRCh37 (hg19) VCF-style: chr12-122242666-A-C.
Other names: short protein forms H8P.
Identifiers: ClinVar variation 2643415 (VCV002643415.25), dbSNP rs773794483, ClinGen allele CA6838733.
Genomic context (GRCh38, chr12:121,804,760, plus strand): 5'-CGACAACAACTTGCTGGTTTTCAGGTTGGGTTAACGGCATGGAGAACAGTCACCCCCCCC[A>C]CCACCACCACCAGCAGCCCCCGCCGCAGCCCGGCCCTTCGGGCGAGAGGAGGAACCACCA-3'
Protein context (NP_001340274.1, residues 1-18): MENSHPP[His8Pro]HHHQQPPPQP

ClinVar aggregate classification (germline): Benign/Likely benign. Review status: criteria provided, multiple submitters, no conflicts (2 of 4 stars). 2 submissions from 2 submitters: Benign (1); Likely benign (1). Last evaluated 2026-09-01.

Allele frequency attached by ClinVar (database versions not stated): ExAC 0.00060; gnomAD 0.00560.
gnomAD v4.1: 5,547 of 1,371,206 alleles (0.4%); highest among the groups gnomAD compares: Middle Eastern, 0.95%; 13 homozygotes.

Submissions (2):

CeGaT Center for Human Genetics Tuebingen
Classification: Benign. Last evaluated: 2026-09-01. Review status: criteria provided, single submitter. Criteria: CeGaT Center For Human Genetics Tuebingen Variant Classification Criteria Version 2. Collection method: clinical testing. Allele origin: germline. Affected: yes. Observed: 14 variant alleles.
Comment: SETD1B: BS1, BS2

Laboratory for Molecular Medicine, Mass General Brigham Personalized Medicine
Classification: Likely benign. Last evaluated: 2024-03-28. Review status: criteria provided, single submitter. Criteria: ACMG Guidelines, 2015. Collection method: clinical testing. Allele origin: germline.
Comment: The His8Pro variant in SETD1B is classified as likely benign because it has been identified in 0.9% (619/65696) of African/African American chromosomes, including 13 total homozygotes by gnomAD (v.4.0.0), which is higher than expected for a disease-causing variant in SETD1B. ACMG/AMP Criteria applied: BS1.